The following is an entry in ClinVar:

ClinVar aggregate classification (germline): Uncertain significance (1 of 4 stars; one submission).

Conditions:
Cardiovascular phenotype. Identifiers: MedGen CN230736.

Submission:

Ambry Genetics
Classification: Uncertain significance for Cardiovascular phenotype. Last evaluated: 2026-08-08. Review status: criteria provided, single submitter. Criteria: Ambry Variant Classification Scheme 2023. Collection method: clinical testing. Allele origin: germline.
Comment: The p.I644V variant (also known as c.1930A>G), located in coding exon 15 of the ENG gene, results from an A to G substitution at nucleotide position 1930. The isoleucine at codon 644 is replaced by valine, an amino acid with highly similar properties. This amino acid position is conserved. In addition, this alteration is predicted to be tolerated by in silico analysis. Based on the available evidence, the clinical significance of this variant remains unclear.

NM_001114753.3(ENG):c.1930A>G (p.Ile644Val)

Gene: ENG (endoglin; minus strand). Cytogenetic location: 9q34.11.
Variant type: single nucleotide variant.
Coding change: c.1930A>G on transcript NM_001114753.3 (MANE Select); coding-DNA position 1930, A replaced by G.
Protein change: p.Ile644Val; replaces isoleucine 644 with valine.
Molecular consequence: missense variant. On other transcripts: 3 prime UTR variant (1).
Genome position (GRCh38, 1-based): chr9:127,815,729, T>C on the plus strand (A>G on the coding strand, the complement: ENG is on the minus strand). VCF-style: chr9-127815729-T-C. GRCh37 (hg19) VCF-style: chr9-130578008-T-C.
Other names: c.*188A>G (NM_000118.4); c.1384A>G, p.Ile462Val (NM_001278138.2); short protein forms I462V, I644V.
Identifiers: ClinVar variation 5035926 (VCV005035926.1).